The following is an entry in ClinVar:

NM_001005242.3(PKP2):c.1439del (p.Leu480fs)

Gene: PKP2 (plakophilin 2; minus strand). Cytogenetic location: 12p11.21.
Variant type: Deletion.
Coding change: c.1439del on transcript NM_001005242.3 (MANE Select); coding-DNA position 1439, one base deleted (T; older notation c.1439delT).
Protein change: p.Leu480fs; shifts the reading frame from leucine 480.
Molecular consequence: frameshift variant.
Genome position (GRCh38, 1-based): chr12:32,841,145, A deleted on the plus strand (T on the coding strand, the reverse complement: PKP2 is on the minus strand); the first of 2 consecutive A bases (chr12:32,841,145-32,841,146); deleting either gives the same sequence. VCF-style (leftmost placement, unchanged base first): chr12-32841144-CA-C. GRCh37 (hg19) VCF-style: chr12-32994078-CA-C.
Other names: c.1438delT, p.Leu480Cysfs (NM_001407155.1, NM_001407156.1, NM_001407161.1); c.1570delT, p.Leu524Cysfs (NM_001407157.1); c.1111delT, p.Leu371Cysfs (NM_001407158.1, NM_001407159.1, NM_001407160.1 and 1 more transcripts); c.1571del, p.Leu524fs (NM_004572.4); short protein forms L480fs, L524fs.
Identifiers: ClinVar variation 2036518 (VCV002036518.4), dbSNP rs2541265153, ClinGen allele CA2580085386.
Genomic context (GRCh38, chr12:32,841,144, plus strand): 5'-TGGGTAGTCTCCTTCAGGCCACCCAGAAAAGGGGATGATGATATTCTCCGTCAGCGTAAG[CA>C]ATGCTTCTGTTATCATGAGATTCTTGAGTTTGTCATTAGATGACAAATTCCACAGCAAAC-3'

ClinVar aggregate classification (germline): Pathogenic (1 of 4 stars; one submission).

Conditions:
Arrhythmogenic right ventricular dysplasia 9 (ARVD9). Also called: ARRHYTHMOGENIC RIGHT VENTRICULAR DYSPLASIA, FAMILIAL, 9; Arrhythmogenic Right Ventricular Dysplasia/Cardiomyopathy 9. Identifiers: MedGen C1836906, MONDO:0012180, OMIM 609040.

Submission:

Labcorp Genetics (formerly Invitae), Labcorp
Classification: Pathogenic for Arrhythmogenic right ventricular dysplasia 9. Last evaluated: 2024-11-18. Review status: criteria provided, single submitter. Criteria: Invitae Variant Classification Sherloc (09022015). Collection method: clinical testing. Allele origin: germline.
Comment: This sequence change creates a premature translational stop signal (p.Leu524Cysfs*4) in the PKP2 gene. It is expected to result in an absent or disrupted protein product. Loss-of-function variants in PKP2 are known to be pathogenic (PMID: 15489853, 17041889, 23911551). This variant is not present in population databases (gnomAD no frequency). This variant has not been reported in the literature in individuals affected with PKP2-related conditions. ClinVar contains an entry for this variant (Variation ID: 2036518). For these reasons, this variant has been classified as Pathogenic.

Literature cited by the submitters: PubMed 15489853; PubMed 17041889; PubMed 23911551.